The following is an entry in ClinVar:

ClinVar aggregate classification (germline): Conflicting classifications of pathogenicity. Review status: criteria provided, conflicting classifications (1 of 4 stars). 5 submissions from 5 submitters: Uncertain significance (3); Likely benign (1). 1 of the submissions does not count toward it. Last evaluated 2025-05-01.

Conditions:
Duchenne muscular dystrophy (DMD). Also called: Duchenne Muscular Dystrophy (DMD); MUSCULAR DYSTROPHY, PSEUDOHYPERTROPHIC PROGRESSIVE, DUCHENNE TYPE. Identifiers: Orphanet 98896, MedGen C0013264, MONDO:0010679, OMIM 310200.
Cardiomyopathy (CMYO). Also called: Cardiomyopathies. Identifiers: Orphanet 167848, MedGen C0878544, MONDO:0004994, HP:0001638. Inheritance: Various modes of inheritance.
Dystrophin deficiency.
Becker muscular dystrophy (BMD). Also called: MUSCULAR DYSTROPHY, PSEUDOHYPERTROPHIC PROGRESSIVE, BECKER TYPE; Becker Muscular Dystrophy (BMD). Identifiers: Orphanet 98895, MedGen C0917713, MONDO:0010311, OMIM 300376.
Cardiovascular phenotype. Identifiers: MedGen CN230736.

Allele frequency attached by ClinVar (database versions not stated): ExAC 0.00001; gnomAD exomes 0.00001; TOPMed 0.00001; gnomAD 0.00002.
gnomAD v4.1: 11 of 1,207,692 alleles (0.00091%); highest among the groups gnomAD compares: African/African-American, 0.007%; no homozygotes.

Submissions (5):

Labcorp Genetics (formerly Invitae), Labcorp
Classification: Uncertain significance for Duchenne muscular dystrophy. Last evaluated: 2025-05-01. Review status: criteria provided, single submitter. Criteria: Invitae Variant Classification Sherloc (09022015). Collection method: clinical testing. Allele origin: germline.
Comment: This sequence change falls in intron 59 of the DMD gene. It does not directly change the encoded amino acid sequence of the DMD protein. It affects a nucleotide within the consensus splice site. This variant is present in population databases (rs752551008, gnomAD 0.007%). This variant has not been reported in the literature in individuals affected with DMD-related conditions. ClinVar contains an entry for this variant (Variation ID: 968562). Variants that disrupt the consensus splice site are a relatively common cause of aberrant splicing (PMID: 17576681, 9536098). Algorithms developed to predict the effect of sequence changes on RNA splicing suggest that this variant is not likely to affect RNA splicing. In summary, the available evidence is currently insufficient to determine the role of this variant in disease. Therefore, it has been classified as a Variant of Uncertain Significance.

Ambry Genetics
Classification: Uncertain significance for Cardiovascular phenotype. Last evaluated: 2023-09-22. Review status: criteria provided, single submitter. Criteria: Ambry Variant Classification Scheme 2023. Collection method: clinical testing. Allele origin: germline.
Comment: The c.8937+5C>T intronic variant results from a C to T substitution 5 nucleotides after coding exon 59 in the DMD gene. Based on data from gnomAD, the T allele has an overall frequency of <0.01% (3/199024) total alleles studied, with 0 hemizygote(s) observed. The highest observed frequency was <0.01% (1/14664) of East Asian alleles. This nucleotide position is not well conserved in available vertebrate species. In silico splice site analysis predicts that this alteration will not have any significant effect on splicing. Since supporting evidence is limited at this time, the clinical significance of this alteration remains unclear.

Blueprint Genetics
Classification: Likely benign. Last evaluated: 2023-01-11. Review status: criteria provided, single submitter. Criteria: ACMG Guidelines, 2015. Collection method: clinical testing. Allele origin: germline.

Revvity Omics, Revvity
Classification: Uncertain significance. Last evaluated: 2020-10-01. Review status: criteria provided, single submitter. Criteria: ACMG Guidelines, 2015. Collection method: clinical testing. Allele origin: germline.

Natera, Inc.
Classification: Uncertain significance for Becker muscular dystrophy; Cardiomyopathy; Duchenne muscular dystrophy; Dystrophin deficiency. Last evaluated: 2019-02-13. Review status: no assertion criteria provided. Collection method: clinical testing. Allele origin: germline. Not counted in ClinVar's aggregate classification.

Literature cited by the submitters: PubMed 17576681 (cited by Labcorp Genetics (formerly Invitae), Labcorp); PubMed 9536098 (cited by Labcorp Genetics (formerly Invitae), Labcorp).

NM_004006.3(DMD):c.8937+5C>T

Gene: DMD (dystrophin; minus strand). Cytogenetic location: Xp21.2.
Variant type: single nucleotide variant.
Coding change: c.8937+5C>T on transcript NM_004006.3 (MANE Select); 5 bases into the intron after coding-DNA position 8937, C replaced by T.
Molecular consequence: intron variant.
Genome position (GRCh38, 1-based): chrX:31,478,101, G>A on the plus strand (C>T on the coding strand, the complement: DMD is on the minus strand). VCF-style: chrX-31478101-G-A. GRCh37 (hg19) VCF-style: chrX-31496218-G-A.
Other names: c.8913+5C>T (NM_000109.4); c.4914+5C>T (NM_004011.4); c.4905+5C>T (NM_004012.4); c.1557+5C>T (NM_004023.3, NM_004020.4, NM_004022.3 and 2 more transcripts); c.750+5C>T (NM_004014.3); c.8925+5C>T (NM_004009.3); c.8568+5C>T (NM_004010.3).
Identifiers: ClinVar variation 968562 (VCV000968562.14), dbSNP rs752551008, ClinGen allele CA10377962.